The following is an entry in ClinVar:

NM_000487.6(ARSA):c.544C>A (p.Pro182Thr)

Gene: ARSA (arylsulfatase A; minus strand). Cytogenetic location: 22q13.33.
Variant type: single nucleotide variant.
Coding change: c.544C>A on transcript NM_000487.6 (MANE Select); coding-DNA position 544, C replaced by A.
Protein change: p.Pro182Thr; replaces proline 182 with threonine.
Molecular consequence: missense variant.
Genome position (GRCh38, 1-based): chr22:50,626,974, G>T on the plus strand (C>A on the coding strand, the complement: ARSA is on the minus strand). VCF-style: chr22-50626974-G-T. GRCh37 (hg19) VCF-style: chr22-51065402-G-T.
Other names: c.544C>A, p.Pro182Thr (NM_001085425.3, NM_001085426.3, NM_001085427.3); c.286C>A, p.Pro96Thr (NM_001085428.3, NM_001362782.2); short protein forms P96T, P182T.
Identifiers: ClinVar variation 3637805 (VCV003637805.2).

ClinVar aggregate classification (germline): Likely pathogenic (1 of 4 stars; one submission).

Conditions:
Metachromatic leukodystrophy (MLD). Also called: Cerebral sclerosis diffuse metachromatic form; Arylsulfatase A Deficiency; ARSA DEFICIENCY; CEREBROSIDE SULFATASE DEFICIENCY; METACHROMATIC LEUKOENCEPHALOPATHY; SULFATIDE LIPIDOSIS. Identifiers: Orphanet 512, MedGen C0023522, MONDO:0018868, OMIM 250100.

Submission:

Labcorp Genetics (formerly Invitae), Labcorp
Classification: Likely pathogenic for Metachromatic leukodystrophy. Last evaluated: 2024-03-22. Review status: criteria provided, single submitter. Criteria: Invitae Variant Classification Sherloc (09022015). Collection method: clinical testing. Allele origin: germline.
Comment: This sequence change replaces proline, which is neutral and non-polar, with threonine, which is neutral and polar, at codon 182 of the ARSA protein (p.Pro182Thr). This variant is not present in population databases (gnomAD no frequency). This variant has not been reported in the literature in individuals affected with ARSA-related conditions. Advanced modeling of protein sequence and biophysical properties (such as structural, functional, and spatial information, amino acid conservation, physicochemical variation, residue mobility, and thermodynamic stability) performed at Invitae indicates that this missense variant is expected to disrupt ARSA protein function with a positive predictive value of 95%. This variant disrupts the p.Pro182 amino acid residue in ARSA. Other variant(s) that disrupt this residue have been determined to be pathogenic (PMID: 28762252, 30674982, 32632536). This suggests that this residue is clinically significant, and that variants that disrupt this residue are likely to be disease-causing. In summary, the currently available evidence indicates that the variant is pathogenic, but additional data are needed to prove that conclusively. Therefore, this variant has been classified as Likely Pathogenic.

Literature cited by the submitters: PubMed 28762252; PubMed 30674982; PubMed 32632536.